The following is an entry in ClinVar:

NM_182641.4(BPTF):c.5854dup (p.Ala1952fs)

Gene: BPTF (bromodomain PHD finger transcription factor; plus strand). Cytogenetic location: 17q24.2.
Variant type: Duplication.
Coding change: c.5854dup on transcript NM_182641.4 (MANE Select); coding-DNA position 5854, one base duplicated (G; older notation c.5854dupG).
Protein change: p.Ala1952fs; shifts the reading frame from alanine 1952.
Molecular consequence: frameshift variant.
Genome position (GRCh38, 1-based): chr17:67,928,457, G duplicated; the last of 2 consecutive G bases (chr17:67,928,456-67,928,457); duplicating either gives the same sequence. VCF-style (leftmost placement, unchanged base first): chr17-67928455-T-TG. GRCh37 (hg19) VCF-style: chr17-65924571-T-TG.
Other names: c.6232dup, p.Ala2078fs (NM_004459.7); short protein forms A1952fs, A2078fs.
Identifiers: ClinVar variation 3377266 (VCV003377266.1).

ClinVar aggregate classification (germline): Pathogenic (1 of 4 stars; one submission).

Conditions:
Neurodevelopmental disorder with dysmorphic facies and distal limb anomalies. Identifiers: Orphanet 686482, MedGen C4540327, MONDO:0060596, OMIM 617755.

Submission:

Victorian Clinical Genetics Services, Murdoch Childrens Research Institute
Classification: Pathogenic for Neurodevelopmental disorder with dysmorphic facies and distal limb anomalies. Last evaluated: 2024-10-09. Review status: criteria provided, single submitter. Criteria: ACMG Guidelines, 2015. Collection method: clinical testing. Allele origin: germline. Inheritance: Autosomal dominant inheritance. Affected: yes.
Comment: Based on the classification scheme VCGS_Germline_v1.3.4, this variant is classified as Pathogenic. Following criteria are met: 0102 - Loss of function is a known mechanism of disease in this gene and is associated with neurodevelopmental disorder with dysmorphic facies and distal limb anomalies (MIM#617755). (I) 0107 - This gene is associated with autosomal dominant disease. (I) 0201 - Variant is predicted to cause nonsense-mediated decay (NMD) and loss of protein (premature termination codon is located at least 54 nucleotides upstream of the final exon-exon junction). (SP) 0251 - This variant is heterozygous. (I) 0301 - Variant is absent from gnomAD (v2, v3, and v4). (SP) 0701 - Other NMD predicted variants comparable to the one identified in this case have very strong previous evidence for pathogenicity (DECIPHER). (SP) 0807 - This variant has no previous evidence of pathogenicity. (I) 0905 - No published segregation evidence has been identified for this variant. (I) 1007 - No published functional evidence has been identified for this variant. (I) 1208 - Inheritance information for this variant is not currently available in this individual. (I) Legend: (SP) - Supporting pathogenic, (I) - Information, (SB) - Supporting benign